The following is an entry in ClinVar:

NM_024757.5(EHMT1):c.3374+5G>C

Gene: EHMT1 (euchromatic histone lysine methyltransferase 1; plus strand). Cytogenetic location: 9q34.3.
Variant type: single nucleotide variant.
Coding change: c.3374+5G>C on transcript NM_024757.5 (MANE Select); 5 bases into the intron after coding-DNA position 3374, G replaced by C.
Molecular consequence: intron variant.
Genome position (GRCh38, 1-based): chr9:137,816,067, G>C. VCF-style: chr9-137816067-G-C. GRCh37 (hg19) VCF-style: chr9-140710519-G-C.
Other names: c.3353+5G>C (NM_001354263.2).
Identifiers: ClinVar variation 2035818 (VCV002035818.4), dbSNP rs1954894144, ClinGen allele CA1130163252.

ClinVar aggregate classification (germline): Uncertain significance (1 of 4 stars; one submission).

Conditions:
Kleefstra syndrome 1 (KLEFS1). Identifiers: Orphanet 261494, MedGen C0795833, MONDO:0027407, OMIM 610253.

Allele frequency attached by ClinVar (database versions not stated): gnomAD 0.00001.
gnomAD v4.1: 1 of 1,608,282 alleles (0.000062%); highest among the groups gnomAD compares: Non-Finnish European, 0.000085%; no homozygotes.

Submission:

Labcorp Genetics (formerly Invitae), Labcorp
Classification: Uncertain significance for Kleefstra syndrome 1. Last evaluated: 2022-10-16. Review status: criteria provided, single submitter. Criteria: Invitae Variant Classification Sherloc (09022015). Collection method: clinical testing. Allele origin: germline.
Comment: This sequence change falls in intron 23 of the EHMT1 gene. It does not directly change the encoded amino acid sequence of the EHMT1 protein. It affects a nucleotide within the consensus splice site. This variant is not present in population databases (gnomAD no frequency). This variant has not been reported in the literature in individuals affected with EHMT1-related conditions. Variants that disrupt the consensus splice site are a relatively common cause of aberrant splicing (PMID: 17576681, 9536098). Algorithms developed to predict the effect of sequence changes on RNA splicing suggest that this variant is not likely to affect RNA splicing. In summary, the available evidence is currently insufficient to determine the role of this variant in disease. Therefore, it has been classified as a Variant of Uncertain Significance.

Literature cited by the submitters: PubMed 17576681; PubMed 9536098.